The following is an entry in ClinVar:

NM_000135.4(FANCA):c.4285G>C (p.Asp1429His)

Genes: FANCA (FA complementation group A; minus strand), ZNF276 (zinc finger protein 276; plus strand). Cytogenetic location: 16q24.3.
Variant type: single nucleotide variant.
Coding change: c.4285G>C on transcript NM_000135.4 (MANE Select); coding-DNA position 4285, G replaced by C.
Protein change: p.Asp1429His; replaces aspartic acid 1429 with histidine.
Molecular consequence: missense variant. On other transcripts: 3 prime UTR variant (3), non-coding transcript variant (4).
Genome position (GRCh38, 1-based): chr16:89,738,684, C>G on the plus strand (G>C on the coding strand, the complement: FANCA is on the minus strand). VCF-style: chr16-89738684-C-G. GRCh37 (hg19) VCF-style: chr16-89805092-C-G.
Other names: c.4285G>C (NM_000135.3); c.*14G>C (NM_001286167.3); c.*438C>G (NM_001113525.2, NM_152287.4); short protein forms D1429H.
Identifiers: ClinVar variation 1446351 (VCV001446351.8), dbSNP rs748856769, ClinGen allele CA397483115.

ClinVar aggregate classification (germline): Conflicting classifications of pathogenicity. Review status: criteria provided, conflicting classifications (1 of 4 stars). 3 submissions from 3 submitters: Likely pathogenic (1); Uncertain significance (2). Last evaluated 2025-09-03.

Conditions:
Fanconi anemia complementation group A (FANCA). Also called: FANCA-Related Fanconi Anemia; Fanconi anemia, group A. Identifiers: Orphanet 84, MedGen C3469521, MONDO:0009215, OMIM 227650.
Fanconi anemia (FA). Also called: Fanconi's anemia. Identifiers: Orphanet 84, MedGen C0015625, MeSH D005199, MONDO:0019391.

gnomAD v4.1: 7 of 1,613,796 alleles (0.00043%); highest among the groups gnomAD compares: African/African-American, 0.0013%; no homozygotes.

Submissions (3):

Myriad Genetics, Inc.
Classification: Uncertain significance for Fanconi anemia complementation group A. Last evaluated: 2025-09-03. Review status: criteria provided, single submitter. Criteria: Myriad Autosomal Dominant, Autosomal Recessive and X-Linked Classification Criteria (2023). Collection method: clinical testing. Allele origin: unknown.
Comment: NM_000135.2(FANCA):c.4285G>C(D1429H) is a missense variant classified as a variant of uncertain significance in the context of Fanconi anemia complementation group A. D1429H has not been observed in cases with relevant disease. Relevant functional assessments of this variant are not available in the literature. D1429H has been observed in referenced population frequency databases. In summary, there is insufficient evidence to classify NM_000135.2(FANCA):c.4285G>C(D1429H) as pathogenic or benign. Please note: this variant was assessed in the context of healthy population screening.

Quest Diagnostics Nichols Institute San Juan Capistrano
Classification: Uncertain significance. Last evaluated: 2024-07-15. Review status: criteria provided, single submitter. Criteria: Quest Diagnostics criteria. Collection method: clinical testing. Allele origin: unknown.
Comment: The FANCA c.4285G>C (p.Asp1429His) variant has not been reported in individuals with FANCA-related conditions in the published literature. The frequency of this variant in the general population, 0.000032 (1/31376 chromosomes (Genome Aggregation Database)), is uninformative in the assessment of its pathogenicity. Analysis of this variant using bioinformatics tools for the prediction of the effect of amino acid changes on protein structure and function yielded conflicting predictions that this variant is benign or damaging. Based on the available information, we are unable to determine the clinical significance of this variant.

Labcorp Genetics (formerly Invitae), Labcorp
Classification: Likely pathogenic for Fanconi anemia. Last evaluated: 2024-07-12. Review status: criteria provided, single submitter. Criteria: Invitae Variant Classification Sherloc (09022015). Collection method: clinical testing. Allele origin: germline.
Comment: This sequence change replaces aspartic acid, which is acidic and polar, with histidine, which is basic and polar, at codon 1429 of the FANCA protein (p.Asp1429His). This variant is present in population databases (no rsID available, gnomAD 0.01%). This variant has not been reported in the literature in individuals affected with FANCA-related conditions. ClinVar contains an entry for this variant (Variation ID: 1446351). Advanced modeling of protein sequence and biophysical properties (such as structural, functional, and spatial information, amino acid conservation, physicochemical variation, residue mobility, and thermodynamic stability) performed at Invitae indicates that this missense variant is expected to disrupt FANCA protein function with a positive predictive value of 95%. This variant disrupts the p.Asp1429 amino acid residue in FANCA. Other variant(s) that disrupt this residue have been determined to be pathogenic (Invitae). This suggests that this residue is clinically significant, and that variants that disrupt this residue are likely to be disease-causing. In summary, the currently available evidence indicates that the variant is pathogenic, but additional data are needed to prove that conclusively. Therefore, this variant has been classified as Likely Pathogenic.